The following is an entry in ClinVar:

ClinVar aggregate classification (germline): Uncertain significance (0 of 4 stars; one submission).

Conditions:
Prostate cancer. Also called: Malignant tumor of prostate. Identifiers: Orphanet 1331, MedGen C0376358, MONDO:0008315, HP:0012125.

Submission:

Science for Life laboratory,  Karolinska Institutet
Classification: Uncertain significance for Malignant tumor of prostate. Review status: no assertion criteria provided. Collection method: not provided. Allele origin: somatic.
Comment: TumorID:SWE-18
ClinVar note: Converted during submission from Unknown to Uncertain significance.

NM_007039.4(PTPN21):c.94A>C (p.Asn32His)

Gene: PTPN21 (protein tyrosine phosphatase non-receptor type 21; minus strand). Cytogenetic location: 14q31.3.
Variant type: single nucleotide variant.
Coding change: c.94A>C on transcript NM_007039.4 (MANE Select); coding-DNA position 94, A replaced by C.
Protein change: p.Asn32His; replaces asparagine 32 with histidine.
Molecular consequence: missense variant.
Genome position (GRCh38, 1-based): chr14:88,550,324, T>G on the plus strand (A>C on the coding strand, the complement: PTPN21 is on the minus strand). VCF-style: chr14-88550324-T-G. GRCh37 (hg19) VCF-style: chr14-89016668-T-G.
Other names: short protein forms N32H.
Identifiers: ClinVar variation 161654 (VCV000161654.2), dbSNP rs193920899, ClinGen allele CA174537.